The following is an entry in ClinVar:

ClinVar aggregate classification (germline): Likely benign. Review status: criteria provided, multiple submitters, no conflicts (2 of 4 stars). 3 submissions from 3 submitters: Likely benign (3). Last evaluated 2024-06-11.

Conditions:
Hereditary cancer-predisposing syndrome. Also called: Tumor predisposition; Neoplastic Syndromes, Hereditary; Hereditary Cancer Syndrome; Hereditary neoplastic syndrome. Identifiers: Orphanet 140162, MedGen C0027672, MeSH D009386, MONDO:0015356.
Breast-ovarian cancer, familial, susceptibility to, 2 (BROVCA2). Also called: BRCA2 Hereditary Breast and Ovarian Cancer. Identifiers: Orphanet 145, MedGen C2675520, MONDO:0012933, OMIM 612555. Disease mechanism: loss of function.
Hereditary breast ovarian cancer syndrome. Also called: Breast and ovarian cancer; Hereditary breast and/or ovarian cancer syndrome; Hereditary breast and ovarian cancer; BRCA1- and BRCA2-Associated Hereditary Breast and Ovarian Cancer; Hereditary breast and ovarian cancer syndrome; Hereditary breast and ovarian cancer syndrome (HBOC). Identifiers: Orphanet 145, MedGen C0677776, MeSH D061325, MONDO:0003582. Disease mechanism: loss of function.

Submissions (3):

Labcorp Genetics (formerly Invitae), Labcorp
Classification: Likely benign for Hereditary breast ovarian cancer syndrome. Last evaluated: 2024-06-11. Review status: criteria provided, single submitter. Criteria: Invitae Variant Classification Sherloc (09022015). Collection method: clinical testing. Allele origin: germline.

All of Us Research Program, National Institutes of Health
Classification: Likely benign for Breast-ovarian cancer, familial, susceptibility to, 2. Last evaluated: 2023-08-15. Review status: criteria provided, single submitter. Criteria: ACMG Guidelines, 2015. Collection method: clinical testing. Allele origin: germline. Inheritance: Autosomal dominant inheritance. Observed: 1 variant allele, 1 heterozygote.
Comment: This study involves interpretation of variants in research participants for the purpose of population health screening. Participant phenotype was not available at the time of variant classification. Additional details can be found in publication PMID: 35346344, PMCID: PMC8962531

Ambry Genetics
Classification: Likely benign for Hereditary cancer-predisposing syndrome. Last evaluated: 2022-08-30. Review status: criteria provided, single submitter. Criteria: Ambry Variant Classification Scheme 2023. Collection method: clinical testing. Allele origin: germline.

NM_000059.4(BRCA2):c.1812A>G (p.Lys604=)

Gene: BRCA2 (BRCA2 DNA repair associated; plus strand). Cytogenetic location: 13q13.1.
Variant type: single nucleotide variant.
Coding change: c.1812A>G on transcript NM_000059.4 (MANE Select); coding-DNA position 1812, A replaced by G.
Protein change: p.Lys604=; no amino-acid change (lysine 604 retained).
Molecular consequence: synonymous variant. On other transcripts: non-coding transcript variant (1), intron variant (1).
Genome position (GRCh38, 1-based): chr13:32,333,290, A>G. VCF-style: chr13-32333290-A-G. GRCh37 (hg19) VCF-style: chr13-32907427-A-G.
Other names: c.1812A>G, p.Lys604= (NM_001406719.1, NM_001406720.1, NM_001406721.1); c.424+2260A>G (NM_001406722.1).
Identifiers: ClinVar variation 1780606 (VCV001780606.5), dbSNP rs2548521072, ClinGen allele CA483436899.
Genomic context (GRCh38, chr13:32,333,290, plus strand): 5'-AAAGAAAACAAATAAGTTTATTTATGCTATACATGATGAAACATCTTATAAAGGAAAAAA[A>G]ATACCGAAAGACCAAAAATCAGAACTAATTAACTGTTCAGCCCAGTTTGAAGCAAATGCT-3'
Protein context (NP_000050.3, residues 594-614): IHDETSYKGK[Lys604=]IPKDQKSELI